The following is an entry in ClinVar:

ClinVar aggregate classification (germline): Likely benign. Review status: criteria provided, multiple submitters, no conflicts (2 of 4 stars). 4 submissions from 4 submitters: Likely benign (3). 1 of the submissions does not count toward it. Last evaluated 2026-05-01.

Conditions:
NBEA-related disorder. Also called: NBEA-related condition.

Submissions (4):

CeGaT Center for Human Genetics Tuebingen
Classification: Likely benign. Last evaluated: 2026-05-01. Review status: criteria provided, single submitter. Criteria: CeGaT Center For Human Genetics Tuebingen Variant Classification Criteria Version 2. Collection method: clinical testing. Allele origin: germline. Affected: yes. Observed: 6 variant alleles.
Comment: NBEA: BS1

Laboratory of Genetics, Children's Clinical University Hospital Latvia
Classification: Likely benign. Last evaluated: 2025-02-16. Review status: criteria provided, single submitter. Criteria: ACMG Guidelines, 2015. Collection method: clinical testing. Allele origin: germline. Affected: yes.

Blueprint Genetics
Classification: Likely benign. Last evaluated: 2024-11-22. Review status: criteria provided, single submitter. Criteria: ACMG Guidelines, 2015. Collection method: clinical testing. Allele origin: germline.

PreventionGenetics, part of Exact Sciences
Classification: Uncertain significance for NBEA-related condition. Last evaluated: 2024-01-02. Review status: no assertion criteria provided. Collection method: clinical testing. Allele origin: germline. Not counted in ClinVar's aggregate classification.
Comment: The NBEA c.99_122del24 variant is predicted to result in an in-frame deletion (p.Gly34_Gly41del). To our knowledge, this variant has not been reported in the literature. This variant is reported in 0.032% of alleles in individuals of African descent in gnomAD. At this time, the clinical significance of this variant is uncertain due to the absence of conclusive functional and genetic evidence.

NM_001385012.1(NBEA):c.99_122del (p.Gly34_Gly41del)

Gene: NBEA (neurobeachin; plus strand). Cytogenetic location: 13q13.3.
Variant type: Deletion.
Coding change: c.99_122del on transcript NM_001385012.1 (MANE Select); coding-DNA positions 99 to 122, 24 bases deleted (TGGTGGCGGCACCGGGGGCAGCGG).
Protein change: p.Gly34_Gly41del.
Molecular consequence: inframe deletion.
Genome position (GRCh38, 1-based): chr13:34,942,919-34,942,942, TGGTGGCGGCACCGGGGGCAGCGG deleted; deleting any 24 consecutive bases within chr13:34,942,907-34,942,942 gives the same sequence; the c. name uses the placement nearest the transcript's 3' end. VCF-style (leftmost placement, unchanged base first): chr13-34942906-GCGGGGGCAGCGGTGGTGGCGGCAC-G. GRCh37 (hg19) VCF-style: chr13-35517043-GCGGGGGCAGCGGTGGTGGCGGCAC-G.
Other names: c.99_122del, p.Gly34_Gly41del (NM_001379245.1, NM_015678.5); c.99_122del24 (NM_015678.4).
Identifiers: ClinVar variation 2643738 (VCV002643738.27), dbSNP rs777552196, ClinGen allele CA6945986.
Genomic context (GRCh38, chr13:34,942,906, plus strand): 5'-GCCCGGGGCTCGAGCCTCAGCCCGTGGGGCTCATTGCCGTCGGGGCCGCTGGCGGAGGCG[GCGGGGGCAGCGGTGGTGGCGGCAC>G]CGGGGGCAGCGGGATGGGGGAGCTAAGGGGGGCGTCCGGCTCCGGCTCGGTGATGCTCCC-3'